The following is an entry in ClinVar:

NM_007254.4(PNKP):c.47C>T (p.Pro16Leu)

Gene: PNKP (polynucleotide kinase 3'-phosphatase; minus strand). Cytogenetic location: 19q13.33.
Variant type: single nucleotide variant.
Coding change: c.47C>T on transcript NM_007254.4 (MANE Select); coding-DNA position 47, C replaced by T.
Protein change: p.Pro16Leu; replaces proline 16 with leucine.
Molecular consequence: missense variant.
Genome position (GRCh38, 1-based): chr19:49,867,158, G>A on the plus strand (C>T on the coding strand, the complement: PNKP is on the minus strand). VCF-style: chr19-49867158-G-A. GRCh37 (hg19) VCF-style: chr19-50370415-G-A.
Other names: short protein forms P16L.
Identifiers: ClinVar variation 2114336 (VCV002114336.4), dbSNP rs796052858, ClinGen allele CA406893788.

ClinVar aggregate classification (germline): Uncertain significance (1 of 4 stars; one submission).

Conditions:
Developmental and epileptic encephalopathy, 12 (DEE12). Identifiers: MedGen C3150988, MONDO:0013389, OMIM 613722.

Submission:

Labcorp Genetics (formerly Invitae), Labcorp
Classification: Uncertain significance for Developmental and epileptic encephalopathy, 12. Last evaluated: 2022-03-19. Review status: criteria provided, single submitter. Criteria: Invitae Variant Classification Sherloc (09022015). Collection method: clinical testing. Allele origin: germline.
Comment: In summary, the available evidence is currently insufficient to determine the role of this variant in disease. Therefore, it has been classified as a Variant of Uncertain Significance. Algorithms developed to predict the effect of missense changes on protein structure and function are either unavailable or do not agree on the potential impact of this missense change (SIFT: "Deleterious"; PolyPhen-2: "Benign"; Align-GVGD: "Class C0"). This variant has not been reported in the literature in individuals affected with PNKP-related conditions. This variant is not present in population databases (gnomAD no frequency). This sequence change replaces proline, which is neutral and non-polar, with leucine, which is neutral and non-polar, at codon 16 of the PNKP protein (p.Pro16Leu).